The following is an entry in ClinVar:

NM_001408.3(CELSR2):c.8508A>G (p.Lys2836=)

Gene: CELSR2 (cadherin EGF LAG seven-pass G-type receptor 2; plus strand). Cytogenetic location: 1p13.3.
Variant type: single nucleotide variant.
Coding change: c.8508A>G on transcript NM_001408.3 (MANE Select); coding-DNA position 8508, A replaced by G.
Protein change: p.Lys2836=; no amino-acid change (lysine 2836 retained).
Molecular consequence: synonymous variant.
Genome position (GRCh38, 1-based): chr1:109,273,335, A>G. VCF-style: chr1-109273335-A-G. GRCh37 (hg19) VCF-style: chr1-109815957-A-G.
Identifiers: ClinVar variation 2192564 (VCV002192564.4), dbSNP rs1360147151, ClinGen allele CA419679839.

ClinVar aggregate classification (germline): Uncertain significance (1 of 4 stars; one submission).

Allele frequency attached by ClinVar (database versions not stated): gnomAD exomes 0.00001; TOPMed 0.00001.
gnomAD v4.1: 12 of 1,598,960 alleles (0.00075%); highest among the groups gnomAD compares: Admixed American, 0.012%; no homozygotes.

Submission:

Labcorp Genetics (formerly Invitae), Labcorp
Classification: Uncertain significance. Last evaluated: 2025-11-17. Review status: criteria provided, single submitter. Criteria: Invitae Variant Classification Sherloc (09022015). Collection method: clinical testing. Allele origin: germline.
Comment: This sequence change affects codon 2836 of the CELSR2 mRNA. It is a 'silent' change, meaning that it does not change the encoded amino acid sequence of the CELSR2 protein. It affects a nucleotide within the consensus splice site. This variant is present in population databases (no rsID available, gnomAD 0.02%). This variant has not been reported in the literature in individuals affected with CELSR2-related conditions. ClinVar contains an entry for this variant (Variation ID: 2192564). Algorithms developed to predict the effect of sequence changes on RNA splicing suggest that this variant is not likely to affect RNA splicing. In summary, the available evidence is currently insufficient to determine the role of this variant in disease. Therefore, it has been classified as a Variant of Uncertain Significance.